The following is an entry in ClinVar:

ClinVar aggregate classification (germline): Uncertain significance (1 of 4 stars; one submission).

Conditions:
HSD17B4-related disorder. Also called: HSD17B4-related disorders; HSD17B4-related condition.

gnomAD v4.1: 4 of 1,610,328 alleles (0.00025%); highest among the groups gnomAD compares: African/African-American, 0.0053%; no homozygotes.

Submission:

PreventionGenetics, part of Exact Sciences
Classification: Uncertain significance for HSD17B4-related condition. Last evaluated: 2025-11-24. Review status: criteria provided, single submitter. Criteria: ACMG Guidelines, 2015. Collection method: clinical testing. Allele origin: germline.
Comment: The HSD17B4 c.1402G>A variant is predicted to result in the amino acid substitution p.Gly468Ser. To our knowledge, this variant has not been reported in individuals with HSD17B4-related disorders in the literature. This variant is reported in 0.0062% of alleles in individuals of African descent in gnomAD. At this time, the clinical significance of this variant is uncertain due to the absence of conclusive functional and genetic evidence.

NM_000414.4(HSD17B4):c.1402G>A (p.Gly468Ser)

Gene: HSD17B4 (hydroxysteroid 17-beta dehydrogenase 4; plus strand). Cytogenetic location: 5q23.1.
Variant type: single nucleotide variant.
Coding change: c.1402G>A on transcript NM_000414.4 (MANE Select); coding-DNA position 1402, G replaced by A.
Protein change: p.Gly468Ser; replaces glycine 468 with serine.
Molecular consequence: missense variant. On other transcripts: non-coding transcript variant (2).
Genome position (GRCh38, 1-based): chr5:119,509,209, G>A. VCF-style: chr5-119509209-G-A. GRCh37 (hg19) VCF-style: chr5-118844904-G-A.
Other names: c.1477G>A, p.Gly493Ser (NM_001199291.3); c.1348G>A, p.Gly450Ser (NM_001199292.2); c.1330G>A, p.Gly444Ser (NM_001292027.2, NM_001374498.1); c.982G>A, p.Gly328Ser (NM_001292028.2); c.1393G>A, p.Gly465Ser (NM_001374497.1); c.1075G>A, p.Gly359Ser (NM_001374499.1); c.961G>A, p.Gly321Ser (NM_001374500.1); c.991G>A, p.Gly331Ser (NM_001374501.1, NM_001374502.1, NM_001374503.1); short protein forms G328S, G444S, G359S, G450S, G465S, G468S, G321S, G331S.
Identifiers: ClinVar variation 4991248 (VCV004991248.1).